The following is an entry in ClinVar:

NM_030777.4(SLC2A10):c.1163G>A (p.Arg388Gln)

Gene: SLC2A10 (solute carrier family 2 member 10; plus strand). Cytogenetic location: 20q13.12.
Variant type: single nucleotide variant.
Coding change: c.1163G>A on transcript NM_030777.4 (MANE Select); coding-DNA position 1163, G replaced by A.
Protein change: p.Arg388Gln; replaces arginine 388 with glutamine.
Molecular consequence: missense variant.
Genome position (GRCh38, 1-based): chr20:46,726,199, G>A. VCF-style: chr20-46726199-G-A. GRCh37 (hg19) VCF-style: chr20-45354838-G-A.
Other names: short protein forms R388Q.
Identifiers: ClinVar variation 1212777 (VCV001212777.5), dbSNP rs780660981, ClinGen allele CA9892114.

ClinVar aggregate classification (germline): Uncertain significance. Review status: criteria provided, multiple submitters, no conflicts (2 of 4 stars). 2 submissions from 2 submitters: Uncertain significance (2). Last evaluated 2021-02-25.

Conditions:
Familial thoracic aortic aneurysm and aortic dissection (TAAD). Also called: Thoracic aortic aneurysms and dissections. Identifiers: Orphanet 91387, MedGen C4707243, MONDO:0019625.

Allele frequency attached by ClinVar (database versions not stated): TOPMed below 0.00001; ExAC 0.00002; gnomAD exomes 0.00002.
gnomAD v4.1: 17 of 1,614,158 alleles (0.0011%); highest among the groups gnomAD compares: East Asian, 0.0022%; no homozygotes.

Submissions (2):

GeneDx
Classification: Uncertain significance. Last evaluated: 2021-02-25. Review status: criteria provided, single submitter. Criteria: GeneDx Variant Classification Process June 2021. Collection method: clinical testing. Allele origin: germline. Affected: yes.
Comment: Not observed at a significant frequency in large population cohorts (Lek et al., 2016); In silico analysis supports that this missense variant does not alter protein structure/function; Has not been previously published as pathogenic or benign to our knowledge

Ambry Genetics
Classification: Uncertain significance for Familial thoracic aortic aneurysm and aortic dissection. Last evaluated: 2020-11-09. Review status: criteria provided, single submitter. Criteria: Ambry Variant Classification Scheme 2023. Collection method: clinical testing. Allele origin: germline.
Comment: The p.R388Q variant (also known as c.1163G>A), located in coding exon 2 of the SLC2A10 gene, results from a G to A substitution at nucleotide position 1163. The arginine at codon 388 is replaced by glutamine, an amino acid with highly similar properties. This amino acid position is poorly conserved in available vertebrate species, and glutamine is the reference amino acid in other vertebrate species. In addition, this alteration is predicted to be tolerated by in silico analysis. Since supporting evidence is limited at this time, the clinical significance of this alteration remains unclear.